The following is an entry in ClinVar:

NM_002241.5(KCNJ10):c.1140A>T (p.Ter380Cys)

Gene: KCNJ10 (potassium inwardly rectifying channel subfamily J member 10; minus strand). Cytogenetic location: 1q23.2.
Variant type: single nucleotide variant.
Coding change: c.1140A>T on transcript NM_002241.5 (MANE Select); coding-DNA position 1140, A replaced by T.
Protein change: p.Ter380Cys.
Molecular consequence: stop lost.
Genome position (GRCh38, 1-based): chr1:160,041,393, T>A on the plus strand (A>T on the coding strand, the complement: KCNJ10 is on the minus strand). VCF-style: chr1-160041393-T-A. GRCh37 (hg19) VCF-style: chr1-160011183-T-A.
Identifiers: ClinVar variation 856585 (VCV000856585.10), dbSNP rs1648596230, ClinGen allele CA343221611.
Genomic context (GRCh38, chr1:160,041,393, plus strand): 5'-TACCAGGGCATTGGAAGAGAGGAAAAGAGACCAGAGGAATGGGGGAGTGGGAACAGGTCA[T>A]CAGACATTGCTGATGCGCACACTAAGGGCACTGCCCTCCTTCTCAGCTTGCTCCCTTAAT-3'

ClinVar aggregate classification (germline): Uncertain significance. Review status: criteria provided, multiple submitters, no conflicts (2 of 4 stars). 3 submissions from 3 submitters: Uncertain significance (3). Last evaluated 2026-02-05.

Conditions:
Autosomal recessive nonsyndromic hearing loss 4 (DFNB4). Also called: Enlarged vestibular aqueduct, digenic; NEUROSENSORY NONSYNDROMIC RECESSIVE DEAFNESS 4; FOXI1-Related Pendred Syndrome; KCNJ10-Related Pendred Syndrome; Nonsyndromic enlarged vestibular aqueduct (NSEVA); Deafness, autosomal recessive 4, with enlarged vestibular aqueduct. Identifiers: Orphanet 90636, MedGen C3538946, MONDO:0010933, OMIM 600791.
EAST syndrome (SESAMES). Also called: SEIZURES, SENSORINEURAL DEAFNESS, ATAXIA, IMPAIRED INTELLECTUAL DEVELOPMENT, AND ELECTROLYTE IMBALANCE. Identifiers: Orphanet 199343, MedGen C2748572, MONDO:0013005, OMIM 612780.
Pendred syndrome (PDS). Also called: Pendred Syndrome (PDS); THYROID DYSHORMONOGENESIS 2B; THYROID HORMONOGENESIS, GENETIC DEFECT IN, 2B; DEAFNESS WITH GOITER; GOITER-DEAFNESS SYNDROME; HYPOTHYROIDISM, CONGENITAL, DUE TO DYSHORMONOGENESIS, 2B. Identifiers: Orphanet 705, MedGen C0271829, MONDO:0010134, OMIM 274600.

Allele frequency attached by ClinVar (database versions not stated): gnomAD exomes below 0.00001; TOPMed below 0.00001; gnomAD 0.00001.
gnomAD v4.1: 5 of 1,611,850 alleles (0.00031%); highest among the groups gnomAD compares: Non-Finnish European, 0.00042%; no homozygotes.

Submissions (3):

GeneDx
Classification: Uncertain significance. Last evaluated: 2026-02-05. Review status: criteria provided, single submitter. Criteria: GeneDx Variant Classification Process June 2021. Collection method: clinical testing. Allele origin: germline.
Comment: Not observed at significant frequency in large population cohorts (gnomAD); Stop codon loss and change to a Cysteine codon, leading to protein extension and the addition of 1 amino acid(s) at the C-terminus; Has not been previously published as pathogenic or benign to our knowledge

Labcorp Genetics (formerly Invitae), Labcorp
Classification: Uncertain significance for EAST syndrome. Last evaluated: 2022-06-01. Review status: criteria provided, single submitter. Criteria: Invitae Variant Classification Sherloc (09022015). Collection method: clinical testing. Allele origin: germline.
Comment: This sequence change disrupts the translational stop signal of the KCNJ10 mRNA. It is expected to extend the length of the KCNJ10 protein by 1 additional amino acid residues. This variant is not present in population databases (gnomAD no frequency). This variant has not been reported in the literature in individuals affected with KCNJ10-related conditions. ClinVar contains an entry for this variant (Variation ID: 856585). Experimental studies and prediction algorithms are not available or were not evaluated, and the functional significance of this variant is currently unknown. In summary, the available evidence is currently insufficient to determine the role of this variant in disease. Therefore, it has been classified as a Variant of Uncertain Significance.

Fulgent Genetics
Classification: Uncertain significance for Pendred syndrome; Autosomal recessive nonsyndromic hearing loss 4; EAST syndrome. Last evaluated: 2021-10-18. Review status: criteria provided, single submitter. Criteria: ACMG Guidelines, 2015. Collection method: clinical testing. Allele origin: unknown.